The following is an entry in ClinVar:

NM_001378778.1(MPDZ):c.3382C>T (p.Arg1128Ter)

Gene: MPDZ (multiple PDZ domain crumbs cell polarity complex component; minus strand). Cytogenetic location: 9p23.
Variant type: single nucleotide variant.
Coding change: c.3382C>T on transcript NM_001378778.1 (MANE Select); coding-DNA position 3382, C replaced by T.
Protein change: p.Arg1128Ter; replaces arginine 1128 with a stop codon.
Molecular consequence: nonsense. On other transcripts: intron variant (1).
Genome position (GRCh38, 1-based): chr9:13,158,088, G>A on the plus strand (C>T on the coding strand, the complement: MPDZ is on the minus strand). VCF-style: chr9-13158088-G-A. GRCh37 (hg19) VCF-style: chr9-13158087-G-A.
Other names: c.3382C>T, p.Arg1128Ter (NM_001261406.2, NM_001261407.2, NM_001330637.2 and 13 more transcripts); c.3255-7400C>T (NM_001375427.1); short protein forms R1128*.
Identifiers: ClinVar variation 3383155 (VCV003383155.2).
Genomic context (GRCh38, chr9:13,158,088, plus strand): 5'-GATTCCAATTGCTATATGCTGTGTTTTGAAGTTCGCTTTCTTCACCCTCTCCCTCTTCTC[G>A]CTCTGGTAATTCTGGAATGTCTCTGGTTAAAGAATTACACAATGAGTACCCCAAAATCCT-3'

ClinVar aggregate classification (germline): Pathogenic (1 of 4 stars; one submission).

Conditions:
Hydrocephalus, nonsyndromic, autosomal recessive 2. Also called: Hydrocephalus, congenital, 2, with or without brain or eye anomalies. Identifiers: Orphanet 2185, MedGen C3554691, MONDO:0014085, OMIM 615219.

gnomAD v4.1: 19 of 1,612,204 alleles (0.0012%); highest among the groups gnomAD compares: Non-Finnish European, 0.0014%; no homozygotes.

Submission:

Juno Genomics, Hangzhou Juno Genomics, Inc
Classification: Pathogenic for Hydrocephalus, nonsyndromic, autosomal recessive 2. Review status: criteria provided, single submitter. Criteria: ACMG Guidelines, 2015. Collection method: clinical testing. Allele origin: germline. Affected: yes.
Comment: Null variant in a gene where loss of function (LOF) is a known mechanism of disease.;Absent from controls (or at extremely low frequency if recessive) in Genome Aggregation Database, Exome Sequencing Project, 1000 Genomes Project, or Exome Aggregation Consortium.;Patient's phenotype or family history is highly specific for a disease with a single genetic etiology.